The following is an entry in ClinVar:

NM_032634.4(PIGO):c.2764G>A (p.Val922Met)

Gene: PIGO (phosphatidylinositol glycan anchor biosynthesis class O; minus strand). Cytogenetic location: 9p13.3.
Variant type: single nucleotide variant.
Coding change: c.2764G>A on transcript NM_032634.4 (MANE Select); coding-DNA position 2764, G replaced by A.
Protein change: p.Val922Met; replaces valine 922 with methionine.
Molecular consequence: missense variant.
Genome position (GRCh38, 1-based): chr9:35,090,556, C>T on the plus strand (G>A on the coding strand, the complement: PIGO is on the minus strand). VCF-style: chr9-35090556-C-T. GRCh37 (hg19) VCF-style: chr9-35090553-C-T.
Other names: c.1513G>A, p.Val505Met (NM_001201484.2, NM_152850.4); short protein forms V505M, V922M.
Identifiers: ClinVar variation 656272 (VCV000656272.8), dbSNP rs756455405, ClinGen allele CA5040337.

ClinVar aggregate classification (germline): Uncertain significance (1 of 4 stars; one submission).

Conditions:
Hyperphosphatasia with impaired intellectual development syndrome 2. Also called: Hyperphosphatasia with intellectual disability syndrome 2; GLYCOSYLPHOSPHATIDYLINOSITOL BIOSYNTHESIS DEFECT 6. Identifiers: Orphanet 247262, MedGen C3553637, MONDO:0013882, OMIM 614749.

Allele frequency attached by ClinVar (database versions not stated): ExAC 0.00001; gnomAD exomes 0.00001 and 0.00002; TOPMed 0.00001.
gnomAD v4.1: 24 of 1,614,112 alleles (0.0015%); highest among the groups gnomAD compares: East Asian, 0.0022%; no homozygotes.

Submission:

Labcorp Genetics (formerly Invitae), Labcorp
Classification: Uncertain significance for Hyperphosphatasia with impaired intellectual development syndrome 2. Last evaluated: 2024-12-09. Review status: criteria provided, single submitter. Criteria: Invitae Variant Classification Sherloc (09022015). Collection method: clinical testing. Allele origin: germline.
Comment: This sequence change replaces valine, which is neutral and non-polar, with methionine, which is neutral and non-polar, at codon 922 of the PIGO protein (p.Val922Met). This variant is present in population databases (rs756455405, gnomAD 0.006%). This variant has not been reported in the literature in individuals affected with PIGO-related conditions. ClinVar contains an entry for this variant (Variation ID: 656272). Invitae Evidence Modeling of protein sequence and biophysical properties (such as structural, functional, and spatial information, amino acid conservation, physicochemical variation, residue mobility, and thermodynamic stability) indicates that this missense variant is not expected to disrupt PIGO protein function with a negative predictive value of 80%. In summary, the available evidence is currently insufficient to determine the role of this variant in disease. Therefore, it has been classified as a Variant of Uncertain Significance.